The following is an entry in ClinVar:

ClinVar aggregate classification (germline): Uncertain significance (1 of 4 stars; one submission).

Submission:

GeneDx
Classification: Uncertain significance. Last evaluated: 2025-01-29. Review status: criteria provided, single submitter. Criteria: GeneDx Variant Classification Process June 2021. Collection method: clinical testing. Allele origin: germline. Affected: yes.
Comment: Not observed at significant frequency in large population cohorts (gnomAD); In silico analysis supports that this missense variant has a deleterious effect on protein structure/function; Has not been previously published as pathogenic or benign to our knowledge; Not located in the triple helical region, where the majority of pathogenic missense variants occur (HGMD)

NM_001844.5(COL2A1):c.257G>A (p.Cys86Tyr)

Gene: COL2A1 (collagen type II alpha 1 chain; minus strand). Cytogenetic location: 12q13.11.
Variant type: single nucleotide variant.
Coding change: c.257G>A on transcript NM_001844.5 (MANE Select); coding-DNA position 257, G replaced by A.
Protein change: p.Cys86Tyr; replaces cysteine 86 with tyrosine.
Molecular consequence: missense variant. On other transcripts: intron variant (1).
Genome position (GRCh38, 1-based): chr12:47,999,954, C>T on the plus strand (G>A on the coding strand, the complement: COL2A1 is on the minus strand). VCF-style: chr12-47999954-C-T. GRCh37 (hg19) VCF-style: chr12-48393737-C-T.
Other names: c.86-1523G>A (NM_033150.3); short protein forms C86Y.
Identifiers: ClinVar variation 4072572 (VCV004072572.1).